The following is an entry in ClinVar:

ClinVar aggregate classification (germline): Uncertain significance (1 of 4 stars; one submission).

Conditions:
Cardiovascular phenotype. Identifiers: MedGen CN230736.
Hereditary cancer-predisposing syndrome. Also called: Neoplastic Syndromes, Hereditary; Tumor predisposition; Hereditary Cancer Syndrome; Hereditary neoplastic syndrome. Identifiers: Orphanet 140162, MedGen C0027672, MeSH D009386, MONDO:0015356.

Submission:

Ambry Genetics
Classification: Uncertain significance for Cardiovascular phenotype; Hereditary cancer-predisposing syndrome. Last evaluated: 2026-05-14. Review status: criteria provided, single submitter. Criteria: Ambry Variant Classification Scheme 2023. Collection method: clinical testing. Allele origin: germline.
Comment: The p.C328R variant (also known as c.982T>C), located in coding exon 9 of the NF1 gene, results from a T to C substitution at nucleotide position 982. The cysteine at codon 328 is replaced by arginine, an amino acid with highly dissimilar properties. This amino acid position is conserved. In addition, this alteration is predicted to be deleterious by in silico analysis. Based on the available evidence, the clinical significance of this variant remains unclear.

NM_001042492.3(NF1):c.982T>C (p.Cys328Arg)

Gene: NF1 (neurofibromin 1; plus strand). Cytogenetic location: 17q11.2.
Variant type: single nucleotide variant.
Coding change: c.982T>C on transcript NM_001042492.3 (MANE Select); coding-DNA position 982, T replaced by C.
Protein change: p.Cys328Arg; replaces cysteine 328 with arginine.
Molecular consequence: missense variant.
Genome position (GRCh38, 1-based): chr17:31,200,515, T>C. VCF-style: chr17-31200515-T-C. GRCh37 (hg19) VCF-style: chr17-29527533-T-C.
Other names: c.982T>C, p.Cys328Arg (NM_000267.4, NM_001128147.3); short protein forms C328R.
Identifiers: ClinVar variation 4860968 (VCV004860968.1).